The following is an entry in ClinVar:

NM_017755.6(NSUN2):c.1998-10T>G

Gene: NSUN2 (NOP2/Sun RNA methyltransferase 2; minus strand). Cytogenetic location: 5p15.31.
Variant type: single nucleotide variant.
Coding change: c.1998-10T>G on transcript NM_017755.6 (MANE Select); 10 bases into the intron before coding-DNA position 1998, T replaced by G.
Molecular consequence: intron variant.
Genome position (GRCh38, 1-based): chr5:6,600,242, A>C on the plus strand (T>G on the coding strand, the complement: NSUN2 is on the minus strand). VCF-style: chr5-6600242-A-C. GRCh37 (hg19) VCF-style: chr5-6600355-A-C.
Other names: c.1893-10T>G (NM_001193455.2).
Identifiers: ClinVar variation 5002807 (VCV005002807.1).

ClinVar aggregate classification (germline): Uncertain significance (1 of 4 stars; one submission).

Conditions:
Intellectual developmental disorder, autosomal recessive 5. Also called: Intellectual disability, autosomal recessive 5. Identifiers: Orphanet 88616, MedGen C1970199, MONDO:0012613, OMIM 611091.

Submission:

OLLIN Analises Genomicas, OLLIN
Classification: Uncertain significance for Intellectual developmental disorder, autosomal recessive 5. Last evaluated: 2026-08-06. Review status: criteria provided, single submitter. Criteria: ACMG Guidelines 2015 PMID 25741868. Collection method: clinical testing. Allele origin: germline.
Comment: This variant is absent from gnomAD and ClinVar and has not been found in the scientific literature. According to the currently available evidence, this variant has been classified as uncertain significance (PM2_P).